The following is an entry in ClinVar:

NM_207352.4(CYP4V2):c.571T>A (p.Tyr191Asn)

Gene: CYP4V2 (cytochrome P450 family 4 subfamily V member 2; plus strand). Cytogenetic location: 4q35.1.
Variant type: single nucleotide variant.
Coding change: c.571T>A on transcript NM_207352.4 (MANE Select); coding-DNA position 571, T replaced by A.
Protein change: p.Tyr191Asn; replaces tyrosine 191 with asparagine.
Molecular consequence: missense variant.
Genome position (GRCh38, 1-based): chr4:186,197,097, T>A. VCF-style: chr4-186197097-T-A. GRCh37 (hg19) VCF-style: chr4-187118251-T-A.
Other names: short protein forms Y191N.
Identifiers: ClinVar variation 998706 (VCV000998706.8), dbSNP rs79128796, ClinGen allele CA112124552.

ClinVar aggregate classification (germline): Uncertain significance (1 of 4 stars; one submission).

Submission:

Labcorp Genetics (formerly Invitae), Labcorp
Classification: Uncertain significance. Last evaluated: 2020-08-14. Review status: criteria provided, single submitter. Criteria: Invitae Variant Classification Sherloc (09022015). Collection method: clinical testing. Allele origin: germline.
Comment: Advanced modeling of protein sequence and biophysical properties (such as structural, functional, and spatial information, amino acid conservation, physicochemical variation, residue mobility, and thermodynamic stability) performed at Invitae indicates that this missense variant is expected to disrupt CYP4V2 protein function. In summary, the available evidence is currently insufficient to determine the role of this variant in disease. Therefore, it has been classified as a Variant of Uncertain Significance. This variant has not been reported in the literature in individuals with CYP4V2-related conditions. This variant is not present in population databases (ExAC no frequency). This sequence change replaces tyrosine with asparagine at codon 191 of the CYP4V2 protein (p.Tyr191Asn). The tyrosine residue is moderately conserved and there is a large physicochemical difference between tyrosine and asparagine.